The following is an entry in ClinVar:

NM_006767.4(LZTR1):c.933_940dup (p.Tyr314fs)

Gene: LZTR1 (leucine zipper like post translational regulator 1; plus strand). Cytogenetic location: 22q11.21.
Variant type: Duplication.
Coding change: c.933_940dup on transcript NM_006767.4 (MANE Select); coding-DNA positions 933 to 940, 8 bases duplicated (GCACTGCT; older notation c.933_940dupGCACTGCT).
Protein change: p.Tyr314fs; shifts the reading frame from tyrosine 314.
Molecular consequence: frameshift variant.
Genome position (GRCh38, 1-based): chr22:20,991,769-20,991,776, GCACTGCT duplicated; duplicating any 8 consecutive bases within chr22:20,991,766-20,991,776 gives the same sequence; the c. name uses the placement nearest the transcript's 3' end. VCF-style (leftmost placement, unchanged base first): chr22-20991765-A-AGCTGCACT. GRCh37 (hg19) VCF-style: chr22-21346054-A-AGCTGCACT.
Other names: short protein forms Y314fs.
Identifiers: ClinVar variation 3238372 (VCV003238372.2), dbSNP rs2518617273.
Genomic context (GRCh38, chr22:20,991,765, plus strand): 5'-TGGCCTTTGACCGCCACCTCTATGTGTTTGGGGGTGCGGCCGACAACACGCTGCCCAACG[A>AGCTGCACT]GCTGCACTGCTATGACGTGGACTTCCAGACCTGGGAGGTCGTCCAGCCCAGCTCCGACAG-3'

ClinVar aggregate classification (germline): Pathogenic. Review status: criteria provided, multiple submitters, no conflicts (2 of 4 stars). 2 submissions from 2 submitters: Pathogenic (2). Last evaluated 2025-12-20.

Conditions:
Hereditary cancer-predisposing syndrome. Also called: Neoplastic Syndromes, Hereditary; Tumor predisposition; Hereditary neoplastic syndrome; Hereditary Cancer Syndrome. Identifiers: Orphanet 140162, MedGen C0027672, MeSH D009386, MONDO:0015356.
Cardiovascular phenotype. Identifiers: MedGen CN230736.

Submissions (2):

Labcorp Genetics (formerly Invitae), Labcorp
Classification: Pathogenic. Last evaluated: 2025-12-20. Review status: criteria provided, single submitter. Criteria: Invitae Variant Classification Sherloc (09022015). Collection method: clinical testing. Allele origin: germline.
Comment: This sequence change creates a premature translational stop signal (p.Tyr314Cysfs*40) in the LZTR1 gene. It is expected to result in an absent or disrupted protein product. Loss-of-function variants in LZTR1 are known to be pathogenic (PMID: 24362817, 25335493, 25480913, 25795793, 29469822, 30368668, 30442762, 30442766, 30481304, 30859559). This variant is not present in population databases (gnomAD no frequency). This variant has not been reported in the literature in individuals affected with LZTR1-related conditions. ClinVar contains an entry for this variant (Variation ID: 3238372). For these reasons, this variant has been classified as Pathogenic.

Ambry Genetics
Classification: Pathogenic for Cardiovascular phenotype; Hereditary cancer-predisposing syndrome. Last evaluated: 2023-10-10. Review status: criteria provided, single submitter. Criteria: Ambry Variant Classification Scheme 2023. Collection method: clinical testing. Allele origin: germline.
Comment: The c.933_940dupGCACTGCT pathogenic mutation, located in coding exon 9 of the LZTR1 gene, results from a duplication of GCACTGCT at nucleotide position 933, causing a translational frameshift with a predicted alternate stop codon (p.Y314Cfs*40). This alteration is expected to result in loss of function by premature protein truncation or nonsense-mediated mRNA decay. Loss-of-function variants in LZTR1 are related to an increased risk for schwannomas and autosomal recessive Noonan syndrome; however, such associations with autosomal dominant Noonan syndrome have not been observed (Piotrowski A et al. Nat Genet. 2014 Feb;46:182-7; Yamamoto GL et al. J Med Genet. 2015 Jun;52:413-21; Johnston JJ et al. Genet Med. 2018 10;20:1175-1185). Based on the supporting evidence, this variant is pathogenic for an increased risk of LZTR1-related schwannomatosis (SWN) and would be expected to cause autosomal recessive Noonan syndrome when present along with a second pathogenic or likely pathogenic variant on the other allele; however, the association of this alteration with autosomal dominant Noonan syndrome is unlikely.

Literature cited by the submitters: PubMed 24362817 (cited by Labcorp Genetics (formerly Invitae), Labcorp); PubMed 25335493 (cited by Labcorp Genetics (formerly Invitae), Labcorp); PubMed 25480913 (cited by Labcorp Genetics (formerly Invitae), Labcorp); PubMed 25795793 (cited by Labcorp Genetics (formerly Invitae), Labcorp); PubMed 29469822 (cited by Labcorp Genetics (formerly Invitae), Labcorp); PubMed 30368668 (cited by Labcorp Genetics (formerly Invitae), Labcorp); PubMed 30442762 (cited by Labcorp Genetics (formerly Invitae), Labcorp); PubMed 30442766 (cited by Labcorp Genetics (formerly Invitae), Labcorp); PubMed 30481304 (cited by Labcorp Genetics (formerly Invitae), Labcorp); PubMed 30859559 (cited by Labcorp Genetics (formerly Invitae), Labcorp).